The following is an entry in ClinVar:

ClinVar aggregate classification (germline): Uncertain significance. Review status: criteria provided, multiple submitters, no conflicts (2 of 4 stars). 2 submissions from 2 submitters: Uncertain significance (2). Last evaluated 2026-10-01.

Conditions:
Fanconi anemia complementation group A (FANCA). Also called: FANCA-Related Fanconi Anemia; Fanconi anemia, group A. Identifiers: Orphanet 84, MedGen C3469521, MONDO:0009215, OMIM 227650.
Inborn genetic diseases. Identifiers: MedGen C0950123, MeSH D030342.

gnomAD v4.1: 1 of 1,614,016 alleles (0.000062%); highest among the groups gnomAD compares: Non-Finnish European, 0.000085%; no homozygotes.

Submissions (2):

St. Jude Molecular Pathology, St. Jude Children's Research Hospital
Classification: Uncertain significance for Fanconi anemia complementation group A. Last evaluated: 2026-10-01. Review status: criteria provided, single submitter. Criteria: St. Jude Assertion Criteria 2020. Collection method: clinical testing. Allele origin: germline.
Comment: The FANCA c.2366T>C p.(Val789Ala) missense change is absent in gnomAD v2.1.1. The in silico tool REVEL is inconclusive about a pathogenic or benign effect of this variant on protein function, and to our knowledge functional studies have not been performed. To our knowledge, this variant has not been reported in individuals with Fanco ni anemia. In summary, the evidence currently available is insufficient to determine the clinical significance of this variant. It has therefore been classified as of uncertain significance (VUS-Low).

Ambry Genetics
Classification: Uncertain significance for Inborn genetic diseases. Last evaluated: 2026-07-04. Review status: criteria provided, single submitter. Criteria: Ambry Variant Classification Scheme 2023. Collection method: clinical testing. Allele origin: germline.
Comment: The p.V789A variant (also known as c.2366T>C), located in coding exon 26 of the FANCA gene, results from a T to C substitution at nucleotide position 2366. The valine at codon 789 is replaced by alanine, an amino acid with similar properties. This amino acid position is conserved. In addition, the in silico prediction for this alteration is inconclusive. Based on the available evidence, the clinical significance of this variant remains unclear.

NM_000135.4(FANCA):c.2366T>C (p.Val789Ala)

Gene: FANCA (FA complementation group A; minus strand). Cytogenetic location: 16q24.3.
Variant type: single nucleotide variant.
Coding change: c.2366T>C on transcript NM_000135.4 (MANE Select); coding-DNA position 2366, T replaced by C.
Protein change: p.Val789Ala; replaces valine 789 with alanine.
Molecular consequence: missense variant.
Genome position (GRCh38, 1-based): chr16:89,769,975, A>G on the plus strand (T>C on the coding strand, the complement: FANCA is on the minus strand). VCF-style: chr16-89769975-A-G. GRCh37 (hg19) VCF-style: chr16-89836383-A-G.
Other names: c.2366T>C, p.Val789Ala (NM_001286167.3); short protein forms V789A.
Identifiers: ClinVar variation 5036337 (VCV005036337.2).